The following is an entry in ClinVar:

NM_020988.3(GNAO1):c.414A>G (p.Gln138=)

Gene: GNAO1 (G protein subunit alpha o1; plus strand). Cytogenetic location: 16q13.
Variant type: single nucleotide variant.
Coding change: c.414A>G on transcript NM_020988.3 (MANE Select); coding-DNA position 414, A replaced by G.
Protein change: p.Gln138=; no amino-acid change (glutamine 138 retained).
Molecular consequence: synonymous variant.
Genome position (GRCh38, 1-based): chr16:56,328,741, A>G. VCF-style: chr16-56328741-A-G. GRCh37 (hg19) VCF-style: chr16-56362653-A-G.
Other names: c.414A>G, p.Gln138= (NM_138736.3).
Identifiers: ClinVar variation 415872 (VCV000415872.47), dbSNP rs141057479, ClinGen allele CA8063751.
Genomic context (GRCh38, chr16:56,328,741, plus strand): 5'-GCCCTTCTCTGCAGAGCTGCTTTCTGCCATGATGCGGCTCTGGGGCGACTCAGGAATCCA[A>G]GAGTGCTTCAACCGGTCCCGGGAGTATCAGCTCAACGACTCTGCCAAATAGTGAGTGTCC-3'
Protein context (NP_066268.1, residues 128-148): MMRLWGDSGI[Gln138=]ECFNRSREYQ

ClinVar aggregate classification (germline): Benign/Likely benign. Review status: criteria provided, multiple submitters, no conflicts (2 of 4 stars). 7 submissions from 7 submitters: Benign (3); Likely benign (4). Last evaluated 2026-09-01.

Conditions:
Inborn genetic diseases. Identifiers: MedGen C0950123, MeSH D030342.
Early-infantile DEE. Also called: Early infantile epileptic encephalopathy with suppression bursts; Early infantile epileptic encephalopathy; Ohtahara syndrome. Identifiers: Orphanet 1934, MedGen C0393706, MONDO:0800491.

Allele frequency attached by ClinVar (database versions not stated): gnomAD 0.00053 and 0.00054; ESP Exome Variant Server 0.00054; ExAC 0.00056; gnomAD exomes 0.00066 and 0.00068; TOPMed 0.00077; 1000 Genomes Project 30x 0.00078; 1000 Genomes Project 0.00080.
gnomAD v4.1: 1,079 of 1,614,248 alleles (0.067%); highest among the groups gnomAD compares: Middle Eastern, 0.15%; no homozygotes.

Submissions (7):

CeGaT Center for Human Genetics Tuebingen
Classification: Likely benign. Last evaluated: 2026-09-01. Review status: criteria provided, single submitter. Criteria: CeGaT Center For Human Genetics Tuebingen Variant Classification Criteria Version 2. Collection method: clinical testing. Allele origin: germline. Affected: yes. Observed: 12 variant alleles.
Comment: GNAO1: BP4, BP7

Labcorp Genetics (formerly Invitae), Labcorp
Classification: Benign for Early-infantile DEE. Last evaluated: 2026-01-12. Review status: criteria provided, single submitter. Criteria: Invitae Variant Classification Sherloc (09022015). Collection method: clinical testing. Allele origin: germline.

Laboratory of Genetics, Children's Clinical University Hospital Latvia
Classification: Likely benign. Last evaluated: 2025-02-16. Review status: criteria provided, single submitter. Criteria: ACMG Guidelines, 2015. Collection method: clinical testing. Allele origin: germline. Affected: yes.

Blueprint Genetics
Classification: Likely benign. Last evaluated: 2024-11-27. Review status: criteria provided, single submitter. Criteria: ACMG Guidelines, 2015. Collection method: clinical testing. Allele origin: germline.

GeneDx
Classification: Benign. Last evaluated: 2018-12-14. Review status: criteria provided, single submitter. Criteria: GeneDx Variant Classification Process June 2021. Collection method: clinical testing. Allele origin: germline. Affected: yes.

Athena Diagnostics
Classification: Benign. Last evaluated: 2018-03-19. Review status: criteria provided, single submitter. Criteria: Athena Diagnostics Criteria. Collection method: clinical testing. Allele origin: germline.

Ambry Genetics
Classification: Likely benign for Inborn genetic diseases. Last evaluated: 2016-06-13. Review status: criteria provided, single submitter. Criteria: Ambry Variant Classification Scheme 2023. Collection method: clinical testing. Allele origin: germline.